The following is an entry in ClinVar:

NM_001382430.1(AKT1):c.603C>T (p.Val201=)

Gene: AKT1 (AKT serine/threonine kinase 1; minus strand). Cytogenetic location: 14q32.33.
Variant type: single nucleotide variant.
Coding change: c.603C>T on transcript NM_001382430.1 (MANE Select); coding-DNA position 603, C replaced by T.
Protein change: p.Val201=; no amino-acid change (valine 201 retained).
Molecular consequence: synonymous variant.
Genome position (GRCh38, 1-based): chr14:104,774,968, G>A on the plus strand (C>T on the coding strand, the complement: AKT1 is on the minus strand). VCF-style: chr14-104774968-G-A. GRCh37 (hg19) VCF-style: chr14-105241305-G-A.
Other names: c.603C>T, p.Val201= (NM_001014431.2, NM_001014432.2, NM_001382431.1 and 3 more transcripts).
Identifiers: ClinVar variation 2644622 (VCV002644622.24), dbSNP rs2140915394, ClinGen allele CA488463728.
Genomic context (GRCh38, chr14:104,774,968, plus strand): 5'-CCCTTCAGCCCCATCTGGGCTCCCACTCACTGTGAGGAAGGGGTGCCTGGAGTTCTGCAG[G>A]ACGCGGTTCTCGGTGAGTGTGTGGGCCACCTCGTCCTGTAAAGCAGGGCTGGGTGAGCTG-3'
Protein context (NP_001369359.1, residues 191-211): EVAHTLTENR[Val201=]LQNSRHPFLT

ClinVar aggregate classification (germline): Likely benign (1 of 4 stars; one submission).

Submission:

CeGaT Center for Human Genetics Tuebingen
Classification: Likely benign. Last evaluated: 2022-11-01. Review status: criteria provided, single submitter. Criteria: CeGaT Center For Human Genetics Tuebingen Variant Classification Criteria Version 2. Collection method: clinical testing. Allele origin: germline. Affected: yes. Observed: 1 variant allele.
Comment: AKT1: PM2:Supporting, BP4, BP7